The following is an entry in ClinVar:

NM_024757.5(EHMT1):c.2684A>G (p.Lys895Arg)

Gene: EHMT1 (euchromatic histone lysine methyltransferase 1; plus strand). Cytogenetic location: 9q34.3.
Variant type: single nucleotide variant.
Coding change: c.2684A>G on transcript NM_024757.5 (MANE Select); coding-DNA position 2684, A replaced by G.
Protein change: p.Lys895Arg; replaces lysine 895 with arginine.
Molecular consequence: missense variant.
Genome position (GRCh38, 1-based): chr9:137,800,956, A>G. VCF-style: chr9-137800956-A-G. GRCh37 (hg19) VCF-style: chr9-140695408-A-G.
Other names: c.2663A>G, p.Lys888Arg (NM_001354263.2); short protein forms K888R, K895R.
Identifiers: ClinVar variation 3365150 (VCV003365150.2).

ClinVar aggregate classification (germline): Uncertain significance (1 of 4 stars; one submission).

gnomAD v4.1: 3 of 1,614,110 alleles (0.00019%); highest among the groups gnomAD compares: South Asian, 0.0033%; no homozygotes.

Submission:

GeneDx
Classification: Uncertain significance. Last evaluated: 2025-08-07. Review status: criteria provided, single submitter. Criteria: GeneDx Variant Classification Process June 2021. Collection method: clinical testing. Allele origin: germline.
Comment: Not observed at significant frequency in large population cohorts (gnomAD); In silico analysis suggests that this missense variant does not alter protein structure/function; Has not been previously published as pathogenic or benign to our knowledge